The following is an entry in ClinVar:

NM_017777.4(MKS1):c.915+194A>G

Gene: MKS1 (MKS transition zone complex subunit 1; minus strand). Cytogenetic location: 17q22.
Variant type: single nucleotide variant.
Coding change: c.915+194A>G on transcript NM_017777.4 (MANE Select); 194 bases into the intron after coding-DNA position 915, A replaced by G.
Molecular consequence: intron variant.
Genome position (GRCh38, 1-based): chr17:58,212,184, T>C on the plus strand (A>G on the coding strand, the complement: MKS1 is on the minus strand). VCF-style: chr17-58212184-T-C. GRCh37 (hg19) VCF-style: chr17-56289545-T-C.
Other names: c.306+194A>G (NM_001321268.2); c.915+194A>G (NM_001330397.2, NM_001321269.2).
Identifiers: ClinVar variation 683184 (VCV000683184.2), dbSNP rs3213698, ClinGen allele CA15894383.

ClinVar aggregate classification (germline): Benign. Review status: criteria provided, multiple submitters, no conflicts (2 of 4 stars). 2 submissions from 2 submitters: Benign (2). Last evaluated 2018-06-19.

Allele frequency attached by ClinVar (database versions not stated): 1000 Genomes Project 0.48003; 1000 Genomes Project 30x 0.48751; TOPMed 0.52360; gnomAD 0.52648 and 0.53827.
gnomAD v4.1: 79,905 of 152,018 alleles (53%); highest among the groups gnomAD compares: African/African-American, 79%; 23,343 homozygotes.

Submissions (2):

GeneDx
Classification: Benign. Last evaluated: 2018-06-19. Review status: criteria provided, single submitter. Criteria: GeneDx Variant Classification (06012015). Collection method: clinical testing. Allele origin: germline. Affected: yes.
Comment: This variant is considered likely benign or benign based on one or more of the following criteria: it is a conservative change, it occurs at a poorly conserved position in the protein, it is predicted to be benign by multiple in silico algorithms, and/or has population frequency not consistent with disease.

Breakthrough Genomics
Classification: Benign. Review status: criteria provided, single submitter. Criteria: ACMG Guidelines, 2015. Collection method: not provided. Allele origin: germline. Inheritance: Autosomal recessive inheritance. Affected: yes.